The following is an entry in ClinVar:

NM_001368882.1(COL13A1):c.917G>A (p.Arg306Gln)

Gene: COL13A1 (collagen type XIII alpha 1 chain; plus strand). Cytogenetic location: 10q22.1.
Variant type: single nucleotide variant.
Coding change: c.917G>A on transcript NM_001368882.1 (MANE Select); coding-DNA position 917, G replaced by A.
Protein change: p.Arg306Gln; replaces arginine 306 with glutamine.
Molecular consequence: missense variant.
Genome position (GRCh38, 1-based): chr10:69,905,818, G>A. VCF-style: chr10-69905818-G-A. GRCh37 (hg19) VCF-style: chr10-71665574-G-A.
Other names: c.947G>A (NM_001130103.1); c.947G>A, p.Arg316Gln (NM_001130103.2); c.917G>A, p.Arg306Gln (NM_001320951.2, NM_001368884.1); c.881G>A, p.Arg294Gln (NM_001368883.1, NM_001368885.1, NM_080801.4 and 1 more transcripts); c.317G>A, p.Arg106Gln (NM_001368886.1); c.827G>A, p.Arg276Gln (NM_001368895.1); c.776G>A, p.Arg259Gln (NM_001368896.1, NM_001368898.1, NM_080798.4); c.803G>A, p.Arg268Gln (NM_001368897.1); and 2 more; short protein forms R265Q, R276Q, R294Q, R306Q, R106Q, R259Q, R268Q, R316Q.
Identifiers: ClinVar variation 1486262 (VCV001486262.5), dbSNP rs369087232, ClinGen allele CA5534487.
Genomic context (GRCh38, chr10:69,905,818, plus strand): 5'-CTTTAATGGCCTTCTCTTTGTTTTCCCAGGGAGACCCAGGGATCCAGGGCTACCACGGCC[G>A]GAAGGTAAGATGGAGGGGGAGGACCCAAGTGGGGCAGGACTTTGGACAAATCAGTGGCCT-3'
Protein context (NP_001355811.1, residues 296-316): GDPGIQGYHG[Arg306Gln]KGERGMPGMP

ClinVar aggregate classification (germline): Uncertain significance. Review status: criteria provided, multiple submitters, no conflicts (2 of 4 stars). 2 submissions from 2 submitters: Uncertain significance (2). Last evaluated 2024-12-04.

Conditions:
COL13A1-related disorder. Also called: COL13A1-related condition.

Allele frequency attached by ClinVar (database versions not stated): gnomAD 0.00011 and 0.00013; ExAC 0.00019; gnomAD exomes 0.00022.

Submissions (2):

PreventionGenetics, part of Exact Sciences
Classification: Uncertain significance for COL13A1-related condition. Last evaluated: 2024-12-04. Review status: criteria provided, single submitter. Criteria: ACMG Guidelines, 2015. Collection method: clinical testing. Allele origin: germline.
Comment: The COL13A1 c.947G>A variant is predicted to result in the amino acid substitution p.Arg316Gln. To our knowledge, this variant has not been reported in the literature. This variant is reported in 0.11% of alleles in individuals of South Asian descent in gnomAD. Although we suspect that this variant may be benign, at this time, the clinical significance of this variant is uncertain due to the absence of conclusive functional and genetic evidence.

Labcorp Genetics (formerly Invitae), Labcorp
Classification: Uncertain significance. Last evaluated: 2024-11-05. Review status: criteria provided, single submitter. Criteria: Invitae Variant Classification Sherloc (09022015). Collection method: clinical testing. Allele origin: germline.
Comment: This sequence change replaces arginine, which is basic and polar, with glutamine, which is neutral and polar, at codon 316 of the COL13A1 protein (p.Arg316Gln). This variant is present in population databases (rs369087232, gnomAD 0.1%). This variant has not been reported in the literature in individuals affected with COL13A1-related conditions. ClinVar contains an entry for this variant (Variation ID: 1486262). An algorithm developed to predict the effect of missense changes on protein structure and function (PolyPhen-2) suggests that this variant is likely to be disruptive. In summary, the available evidence is currently insufficient to determine the role of this variant in disease. Therefore, it has been classified as a Variant of Uncertain Significance.